The following is an entry in ClinVar:

NM_024876.4(COQ8B):c.566G>A (p.Trp189Ter)

Gene: COQ8B (coenzyme Q8B; minus strand). Cytogenetic location: 19q13.2.
Variant type: single nucleotide variant.
Coding change: c.566G>A on transcript NM_024876.4 (MANE Select); coding-DNA position 566, G replaced by A.
Protein change: p.Trp189Ter; replaces tryptophan 189 with a stop codon.
Molecular consequence: nonsense.
Genome position (GRCh38, 1-based): chr19:40,705,106, C>T on the plus strand (G>A on the coding strand, the complement: COQ8B is on the minus strand). VCF-style: chr19-40705106-C-T. GRCh37 (hg19) VCF-style: chr19-41211011-C-T.
Other names: c.443G>A, p.Trp148Ter (NM_001142555.3); short protein forms W148*, W189*.
Identifiers: ClinVar variation 3336632 (VCV003336632.3).

ClinVar aggregate classification (germline): Likely pathogenic (1 of 4 stars; one submission).

Conditions:
Retinitis pigmentosa (RP). Identifiers: Orphanet 791, MedGen C0035334, MeSH D012174, MONDO:0019200, OMIM 268000. Inheritance: Autosomal dominant, autosomal recessive and X linked inheritance.

gnomAD v4.1: 1 of 1,609,196 alleles (0.000062%); highest among the groups gnomAD compares: Non-Finnish European, 0.000085%; no homozygotes.

Submission:

Ophthalmic Genetics Group, Institute of Molecular and Clinical Ophthalmology Basel
Classification: Likely pathogenic for Retinitis pigmentosa. Last evaluated: 2024-07-12. Review status: criteria provided, single submitter. Criteria: ACMG Guidelines, 2015. Collection method: research. Allele origin: inherited. Inheritance: Autosomal recessive inheritance. Affected: yes. Observed: 1 compound heterozygote.
Comment: p.(Trp189Ter) variant, which was not found in gnomAD, is predicted to trigger an NMD response since it creates a premature termination codon in exon 7 (out of 14) of COQ8B and therefore should result in no protein product. Null variant in a gene where loss of function is a known mechanism of disease

Literature cited by the submitters: PubMed 39226897.